The following is an entry in ClinVar:

NM_001080467.3(MYO5B):c.1462del (p.Ile488fs)

Gene: MYO5B (myosin VB; minus strand). Cytogenetic location: 18q21.1.
Variant type: Deletion.
Coding change: c.1462del on transcript NM_001080467.3 (MANE Select); coding-DNA position 1462, one base deleted (A; older notation c.1462delA).
Protein change: p.Ile488fs; shifts the reading frame from isoleucine 488.
Molecular consequence: frameshift variant.
Genome position (GRCh38, 1-based): chr18:49,962,349, T deleted on the plus strand (A on the coding strand, the reverse complement: MYO5B is on the minus strand). VCF-style (leftmost placement, unchanged base first): chr18-49962348-AT-A. GRCh37 (hg19) VCF-style: chr18-47488718-AT-A.
Other names: short protein forms I488fs.
Identifiers: ClinVar variation 3255326 (VCV003255326.4).

ClinVar aggregate classification (germline): Pathogenic/Likely pathogenic. Review status: criteria provided, multiple submitters, no conflicts (2 of 4 stars). 3 submissions from 3 submitters: Pathogenic (2); Likely pathogenic (1). Last evaluated 2024-07-05.

Conditions:
MYO5B-related disorder. Also called: MYO5B-related condition.
Congenital microvillous atrophy (DIAR2). Also called: CONGENITAL FAMILIAL PROTRACTED DIARRHEA WITH ENTEROCYTE BRUSH-BORDER ABNORMALITIES; DAVIDSON DISEASE; MICROVILLUS ATROPHY, CONGENITAL; Microvillus inclusion disease; Diarrhea 2 with microvillus atrophy, with or without cholestasis. Identifiers: Orphanet 2290, MedGen C0341306, MONDO:0009635, OMIM 251850.

Submissions (3):

Aleixo Muise Laboratory, Hospital For Sick Children
Classification: Pathogenic for Congenital microvillous atrophy. Last evaluated: 2024-07-05. Review status: criteria provided, single submitter. Criteria: ACMG Guidelines, 2015. Collection method: research. Allele origin: inherited. Affected: yes. Observed: 1 variant allele.
Comment: PVS1;PM2;PM3;PP3;PP4

Labcorp Genetics (formerly Invitae), Labcorp
Classification: Pathogenic. Last evaluated: 2024-04-25. Review status: criteria provided, single submitter. Criteria: Invitae Variant Classification Sherloc (09022015). Collection method: clinical testing. Allele origin: germline.
Comment: This sequence change creates a premature translational stop signal (p.Ile488Leufs*93) in the MYO5B gene. It is expected to result in an absent or disrupted protein product. Loss-of-function variants in MYO5B are known to be pathogenic (PMID: 18724368, 20186687). This variant is present in population databases (rs746208669, gnomAD 0.01%). This premature translational stop signal has been observed in individual(s) with microvillus inclusion disease (PMID: 31559144). For these reasons, this variant has been classified as Pathogenic.

Blueprint Genetics
Classification: Likely pathogenic for MYO5B-related disorders. Last evaluated: 2018-08-27. Review status: criteria provided, single submitter. Criteria: ACMG Guidelines, 2015. Collection method: clinical testing. Allele origin: germline. Affected: yes. Observed: 1 variant allele.

Literature cited by the submitters: PubMed 18724368 (cited by Labcorp Genetics (formerly Invitae), Labcorp); PubMed 20186687 (cited by Labcorp Genetics (formerly Invitae), Labcorp); PubMed 31559144 (cited by Labcorp Genetics (formerly Invitae), Labcorp).